The following is an entry in ClinVar:

ClinVar aggregate classification (germline): Uncertain significance (1 of 4 stars; one submission).

Conditions:
Charcot-Marie-Tooth disease dominant intermediate C (CMTDIC). Also called: CHARCOT-MARIE-TOOTH NEUROPATHY, DOMINANT INTERMEDIATE C. Identifiers: Orphanet 100045, MedGen C1842237, MONDO:0012012, OMIM 608323.

Submission:

Labcorp Genetics (formerly Invitae), Labcorp
Classification: Uncertain significance for Charcot-Marie-Tooth disease dominant intermediate C. Last evaluated: 2024-09-29. Review status: criteria provided, single submitter. Criteria: Invitae Variant Classification Sherloc (09022015). Collection method: clinical testing. Allele origin: germline.
Comment: This sequence change replaces arginine, which is basic and polar, with cysteine, which is neutral and slightly polar, at codon 371 of the YARS protein (p.Arg371Cys). This variant is present in population databases (no rsID available, gnomAD 0.006%). This variant has not been reported in the literature in individuals affected with YARS-related conditions. Invitae Evidence Modeling of protein sequence and biophysical properties (such as structural, functional, and spatial information, amino acid conservation, physicochemical variation, residue mobility, and thermodynamic stability) has been performed for this missense variant. However, the output from this modeling did not meet the statistical confidence thresholds required to predict the impact of this variant on YARS protein function. In summary, the available evidence is currently insufficient to determine the role of this variant in disease. Therefore, it has been classified as a Variant of Uncertain Significance.

NM_003680.4(YARS1):c.1111C>T (p.Arg371Cys)

Gene: YARS1 (tyrosyl-tRNA synthetase 1; minus strand). Cytogenetic location: 1p35.1.
Variant type: single nucleotide variant.
Coding change: c.1111C>T on transcript NM_003680.4 (MANE Select); coding-DNA position 1111, C replaced by T.
Protein change: p.Arg371Cys; replaces arginine 371 with cysteine.
Molecular consequence: missense variant.
Genome position (GRCh38, 1-based): chr1:32,781,077, G>A on the plus strand (C>T on the coding strand, the complement: YARS1 is on the minus strand). VCF-style: chr1-32781077-G-A. GRCh37 (hg19) VCF-style: chr1-33246678-G-A.
Other names: short protein forms R371C.
Identifiers: ClinVar variation 3695273 (VCV003695273.2).
Genomic context (GRCh38, chr1:32,781,077, plus strand): 5'-GCCTCTCTGAGATGTGGTGAAAAATGAGTACCTTCTCCACAGTGATGATTTTCCCCACAC[G>A]GATATCCAGCCGGGATGGGATGACCTCCTCTGGTTCTGAATTCTTGGCAGGGCCTTTGGC-3'
Protein context (NP_003671.1, residues 361-381): EEVIPSRLDI[Arg371Cys]VGKIITVEKH